The following is an entry in ClinVar:

ClinVar aggregate classification (germline): Uncertain significance. Review status: criteria provided, multiple submitters, no conflicts (2 of 4 stars). 2 submissions from 2 submitters: Uncertain significance (2). Last evaluated 2025-03-21.

Conditions:
Congenital myasthenic syndrome 8. Also called: Myasthenic syndrome, congenital, 8, with pre- and postsynaptic defects; MYASTHENIC SYNDROME, CONGENITAL, DUE TO AGRIN DEFICIENCY. Identifiers: Orphanet 590, MedGen C3808739, MONDO:0014052, OMIM 615120.
Inborn genetic diseases. Identifiers: MedGen C0950123, MeSH D030342.

Allele frequency attached by ClinVar (database versions not stated): gnomAD exomes 0.00001.
gnomAD v4.1: 17 of 1,433,406 alleles (0.0012%); highest among the groups gnomAD compares: Non-Finnish European, 0.0016%; no homozygotes.

Submissions (2):

Ambry Genetics
Classification: Uncertain significance for Inborn genetic diseases. Last evaluated: 2025-03-21. Review status: criteria provided, single submitter. Criteria: Ambry Variant Classification Scheme 2023. Collection method: clinical testing. Allele origin: germline.

Labcorp Genetics (formerly Invitae), Labcorp
Classification: Uncertain significance for Congenital myasthenic syndrome 8. Last evaluated: 2024-11-11. Review status: criteria provided, single submitter. Criteria: Invitae Variant Classification Sherloc (09022015). Collection method: clinical testing. Allele origin: germline.
Comment: This sequence change replaces cysteine, which is neutral and slightly polar, with tyrosine, which is neutral and polar, at codon 22 of the AGRN protein (p.Cys22Tyr). This variant is not present in population databases (gnomAD no frequency). This variant has not been reported in the literature in individuals affected with AGRN-related conditions. ClinVar contains an entry for this variant (Variation ID: 1516316). Experimental studies and prediction algorithms are not available or were not evaluated, and the functional significance of this variant is currently unknown. In summary, the available evidence is currently insufficient to determine the role of this variant in disease. Therefore, it has been classified as a Variant of Uncertain Significance.

NM_198576.4(AGRN):c.65G>A (p.Cys22Tyr)

Gene: AGRN (agrin; plus strand). Cytogenetic location: 1p36.33.
Variant type: single nucleotide variant.
Coding change: c.65G>A on transcript NM_198576.4 (MANE Select); coding-DNA position 65, G replaced by A.
Protein change: p.Cys22Tyr; replaces cysteine 22 with tyrosine.
Molecular consequence: missense variant.
Genome position (GRCh38, 1-based): chr1:1,020,237, G>A. VCF-style: chr1-1020237-G-A. GRCh37 (hg19) VCF-style: chr1-955617-G-A.
Other names: c.65G>A, p.Cys22Tyr (NM_001305275.2); c.65G>A (NM_198576.3); short protein forms C22Y.
Identifiers: ClinVar variation 1516316 (VCV001516316.6), dbSNP rs2100555461, ClinGen allele CA337809756.